The following is an entry in ClinVar:

ClinVar aggregate classification (germline): Pathogenic. Review status: reviewed by expert panel (3 of 4 stars). 11 submissions from 11 submitters: Pathogenic (1). 10 of the submissions do not count toward it. Last evaluated 2016-10-18.

Conditions:
Pancreatic cancer, susceptibility to, 4. Identifiers: Orphanet 1333, MedGen C3280442, MONDO:0013685, OMIM 614320.
Fanconi anemia, complementation group S (FANCS). Identifiers: MedGen C4554406, MONDO:0054748, OMIM 617883.
Breast-ovarian cancer, familial, susceptibility to, 1 (BROVCA1). Also called: BRCA1 Hereditary Breast and Ovarian Cancer; OVARIAN CANCER, SUSCEPTIBILITY TO. Identifiers: Orphanet 145, MedGen C2676676, MONDO:0011450, OMIM 604370. Disease mechanism: loss of function.
Gastric cancer. Also called: Stomach cancer; Malignant tumor of stomach. Identifiers: MedGen C0024623, MeSH D013274, MONDO:0001056, OMIM 613659, HP:0012126.
Hereditary cancer-predisposing syndrome. Also called: Hereditary neoplastic syndrome; Tumor predisposition; Hereditary Cancer Syndrome; Neoplastic Syndromes, Hereditary. Identifiers: Orphanet 140162, MedGen C0027672, MeSH D009386, MONDO:0015356.
Hereditary breast ovarian cancer syndrome. Also called: Hereditary breast and ovarian cancer syndrome; Hereditary breast and ovarian cancer; BRCA1- and BRCA2-Associated Hereditary Breast and Ovarian Cancer; Breast and ovarian cancer; Hereditary breast and/or ovarian cancer syndrome; Hereditary breast and ovarian cancer syndrome (HBOC). Identifiers: Orphanet 145, MedGen C0677776, MeSH D061325, MONDO:0003582. Disease mechanism: loss of function.

Submissions (11):

Evidence-based Network for the Interpretation of Germline Mutant Alleles (ENIGMA)
Classification: Pathogenic for Breast-ovarian cancer, familial, susceptibility to, 1. Last evaluated: 2016-10-18. Review status: reviewed by expert panel. Criteria: ENIGMA BRCA1/2 Classification Criteria (2015). Collection method: curation. Allele origin: germline.
Comment: Variant allele predicted to encode a truncated non-functional protein.

GeneDx
Classification: Pathogenic. Last evaluated: 2026-10-19. Review status: criteria provided, single submitter. Criteria: GeneDx Variant Classification Process June 2021. Collection method: clinical testing. Allele origin: germline. Not counted in ClinVar's aggregate classification.
Comment: Identified in a cohort of patients with breast cancer (PMID: 29446198); Nonsense variant predicted to result in protein truncation or nonsense mediated decay in a gene for which loss of function is a known mechanism of disease; Not observed at significant frequency in large population cohorts (gnomAD); Truncating variants in this gene are considered pathogenic by a well-established clinical consortium and/or database; Also known as 2670G>T; This variant is associated with the following publications: (PMID: 19369211, 25348405, 29446198)

Labcorp Genetics (formerly Invitae), Labcorp
Classification: Pathogenic for Hereditary breast ovarian cancer syndrome. Last evaluated: 2025-04-13. Review status: criteria provided, single submitter. Criteria: Invitae Variant Classification Sherloc (09022015). Collection method: clinical testing. Allele origin: germline. Not counted in ClinVar's aggregate classification.
Comment: This sequence change creates a premature translational stop signal (p.Glu851*) in the BRCA1 gene. It is expected to result in an absent or disrupted protein product. Loss-of-function variants in BRCA1 are known to be pathogenic (PMID: 20104584). This variant is not present in population databases (gnomAD no frequency). This premature translational stop signal has been observed in individual(s) with breast and/or ovarian cancer (PMID: 29446198). ClinVar contains an entry for this variant (Variation ID: 266279). For these reasons, this variant has been classified as Pathogenic.

German Consortium for Hereditary Breast and Ovarian Cancer, University Hospital Cologne
Classification: Pathogenic for Hereditary breast ovarian cancer syndrome. Last evaluated: 2024-05-28. Review status: criteria provided, single submitter. Criteria: ClinGen BRCA1 V1.0.0. Collection method: curation. Allele origin: germline. Not counted in ClinVar's aggregate classification.
Comment: According to the ClinGen ENIGMA BRCA1 v1.0.0 criteria we chose these criteria: PVS1 (very strong pathogenic): ENIGMA table 4, PM2 (supporting pathogenic): not in gnomAD, PM5 (strong pathogenic): ENIGMA table 4

Fulgent Genetics
Classification: Pathogenic for Breast-ovarian cancer, familial, susceptibility to, 1; Pancreatic cancer, susceptibility to, 4; Fanconi anemia, complementation group S. Last evaluated: 2024-05-06. Review status: criteria provided, single submitter. Criteria: ACMG Guidelines, 2015. Collection method: clinical testing. Allele origin: germline. Not counted in ClinVar's aggregate classification.

Baylor Genetics
Classification: Pathogenic for Breast-ovarian cancer, familial, susceptibility to, 1. Last evaluated: 2023-10-04. Review status: criteria provided, single submitter. Criteria: ACMG Guidelines, 2015. Collection method: clinical testing. Allele origin: unknown. Not counted in ClinVar's aggregate classification.

Color Diagnostics, LLC DBA Color Health
Classification: Pathogenic for Hereditary cancer-predisposing syndrome. Last evaluated: 2020-04-30. Review status: criteria provided, single submitter. Criteria: ACMG Guidelines, 2015. Collection method: clinical testing. Allele origin: germline. Not counted in ClinVar's aggregate classification.
Comment: This variant changes 1 nucleotide in exon 10 of the BRCA1 gene, creating a premature translation stop signal. This variant is expected to result in an absent or non-functional protein product. To our knowledge, this variant has not been reported in individuals affected with hereditary cancer in the literature. This variant has not been identified in the general population by the Genome Aggregation Database (gnomAD). Loss of BRCA1 function is a known mechanism of disease. Based on the available evidence, this variant is classified as Pathogenic.

Ambry Genetics
Classification: Pathogenic for Hereditary cancer-predisposing syndrome. Last evaluated: 2018-05-31. Review status: criteria provided, single submitter. Criteria: Ambry Variant Classification Scheme 2023. Collection method: clinical testing. Allele origin: germline. Not counted in ClinVar's aggregate classification.
Comment: The p.E851* pathogenic mutation (also known as c.2551G>T), located in coding exon 9 of the BRCA1 gene, results from a G to T substitution at nucleotide position 2551. This changes the amino acid from a glutamic acid to a stop codon within coding exon 9. This alteration is expected to result in loss of function by premature protein truncation or nonsense-mediated mRNA decay. As such, this alteration is interpreted as a disease-causing mutation.

Quest Diagnostics Nichols Institute San Juan Capistrano
Classification: Pathogenic. Last evaluated: 2018-02-06. Review status: criteria provided, single submitter. Criteria: Quest Diagnostics criteria. Collection method: clinical testing. Allele origin: germline. Not counted in ClinVar's aggregate classification.

Consortium of Investigators of Modifiers of BRCA1/2 (CIMBA), c/o University of Cambridge
Classification: Pathogenic for Breast-ovarian cancer, familial, susceptibility to, 1. Last evaluated: 2015-10-02. Review status: criteria provided, single submitter. Criteria: CIMBA Mutation Classification guidelines May 2016. Collection method: clinical testing. Allele origin: germline. Not counted in ClinVar's aggregate classification.

Laboratory for Genotyping Development, RIKEN
Classification: Pathogenic for Gastric cancer. Last evaluated: 2021-07-01. Review status: no assertion criteria provided. Collection method: research. Allele origin: germline. Not counted in ClinVar's aggregate classification.

Literature cited by the submitters: PubMed 20104584 (cited by Labcorp Genetics (formerly Invitae), Labcorp); PubMed 29446198 (cited by Labcorp Genetics (formerly Invitae), Labcorp); PubMed 36988593 (cited by Laboratory for Genotyping Development, RIKEN).

NM_007294.4(BRCA1):c.2551G>T (p.Glu851Ter)

Gene: BRCA1 (BRCA1 DNA repair associated; minus strand). Cytogenetic location: 17q21.31.
Variant type: single nucleotide variant.
Coding change: c.2551G>T on transcript NM_007294.4 (MANE Select); coding-DNA position 2551, G replaced by T.
Protein change: p.Glu851Ter; replaces glutamic acid 851 with a stop codon.
Molecular consequence: nonsense. On other transcripts: intron variant (137).
Genome position (GRCh38, 1-based): chr17:43,092,980, C>A on the plus strand (G>T on the coding strand, the complement: BRCA1 is on the minus strand). VCF-style: chr17-43092980-C-A. GRCh37 (hg19) VCF-style: chr17-41244997-C-A.
Other names: 2670G>T; c.2551G>T, p.Glu851Ter (NM_001407597.1, NM_001407598.1, NM_001407602.1 and 30 more transcripts); c.2548G>T, p.Glu850Ter (NM_001407610.1, NM_001407611.1, NM_001407612.1 and 22 more transcripts); c.2542G>T, p.Glu848Ter (NM_001407646.1, NM_001407647.1); c.2428G>T, p.Glu810Ter (NM_001407648.1, NM_001407665.1, NM_001407666.1 and 19 more transcripts); c.2425G>T, p.Glu809Ter (NM_001407649.1, NM_001407670.1, NM_001407671.1 and 11 more transcripts); c.2473G>T, p.Glu825Ter (NM_001407653.1, NM_001407654.1, NM_001407655.1 and 4 more transcripts); c.2410G>T, p.Glu804Ter (NM_001407692.1, NM_001407694.1, NM_001407729.1 and 29 more transcripts); and 42 more; short protein forms E851*, E804*, E683*, E740*, E780*, E824*, E850*, E724*.
Identifiers: ClinVar variation 266279 (VCV000266279.41), dbSNP rs398122662, ClinGen allele CA10589836.
Genomic context (GRCh38, chr17:43,092,980, plus strand): 5'-GAGCAAATGACTGGCGCTTTGAAACCTTGAATGTATTCTGCAAATACTGAGCATCAAGTT[C>A]ACTTTCTTCCATTTCTATGCTTGTTTCCCGACTGTGGTTAACTTCATGTCCCAATGGATA-3'